The following is an entry in ClinVar:

NM_001127208.3(TET2):c.413A>T (p.Gln138Leu)

Genes: TET2 (tet methylcytosine dioxygenase 2; plus strand), TET2-AS1 (TET2 antisense RNA 1; minus strand). Cytogenetic location: 4q24.
Variant type: single nucleotide variant.
Coding change: c.413A>T on transcript NM_001127208.3 (MANE Select); coding-DNA position 413, A replaced by T.
Protein change: p.Gln138Leu; replaces glutamine 138 with leucine.
Molecular consequence: missense variant.
Genome position (GRCh38, 1-based): chr4:105,234,355, A>T. VCF-style: chr4-105234355-A-T. GRCh37 (hg19) VCF-style: chr4-106155512-A-T.
Other names: c.413A>T, p.Gln138Leu (NM_017628.4); short protein forms Q138L.
Identifiers: ClinVar variation 1899046 (VCV001899046.5), dbSNP rs138203452, ClinGen allele CA3031489.

ClinVar aggregate classification (germline): Uncertain significance (1 of 4 stars; one submission).

Allele frequency attached by ClinVar (database versions not stated): ExAC 0.00005; TOPMed 0.00005; ESP Exome Variant Server 0.00008; gnomAD exomes 0.00009; gnomAD 0.00010.
gnomAD v4.1: 139 of 1,613,988 alleles (0.0086%); highest among the groups gnomAD compares: Non-Finnish European, 0.011%; 1 homozygote.

Submission:

Labcorp Genetics (formerly Invitae), Labcorp
Classification: Uncertain significance. Last evaluated: 2025-10-09. Review status: criteria provided, single submitter. Criteria: Invitae Variant Classification Sherloc (09022015). Collection method: clinical testing. Allele origin: germline.
Comment: This sequence change replaces glutamine, which is neutral and polar, with leucine, which is neutral and non-polar, at codon 138 of the TET2 protein (p.Gln138Leu). This variant is present in population databases (rs138203452, gnomAD 0.008%). This variant has not been reported in the literature in individuals affected with TET2-related conditions. ClinVar contains an entry for this variant (Variation ID: 1899046). An algorithm developed to predict the effect of missense changes on protein structure and function (PolyPhen-2) suggests that this variant is likely to be tolerated. In summary, the available evidence is currently insufficient to determine the role of this variant in disease. Therefore, it has been classified as a Variant of Uncertain Significance.